The following is an entry in ClinVar:

NM_003738.5(PTCH2):c.1424C>A (p.Ala475Glu)

Gene: PTCH2 (patched 2; minus strand). Cytogenetic location: 1p34.1.
Variant type: single nucleotide variant.
Coding change: c.1424C>A on transcript NM_003738.5 (MANE Select); coding-DNA position 1424, C replaced by A.
Protein change: p.Ala475Glu; replaces alanine 475 with glutamic acid.
Molecular consequence: missense variant.
Genome position (GRCh38, 1-based): chr1:44,829,022, G>T on the plus strand (C>A on the coding strand, the complement: PTCH2 is on the minus strand). VCF-style: chr1-44829022-G-T. GRCh37 (hg19) VCF-style: chr1-45294694-G-T.
Other names: c.1424C>A, p.Ala475Glu (NM_001166292.2); short protein forms A475E.
Identifiers: ClinVar variation 2064295 (VCV002064295.4), dbSNP rs747573693, ClinGen allele CA340102633.

ClinVar aggregate classification (germline): Uncertain significance (1 of 4 stars; one submission).

Conditions:
Gorlin syndrome. Also called: Basal cell nevus syndrome; Nevoid Basal Cell Carcinoma Syndrome. Identifiers: Orphanet 377, MedGen C0004779, MONDO:0007187.

gnomAD v4.1: 3 of 1,580,884 alleles (0.00019%); highest among the groups gnomAD compares: Admixed American, 0.0055%; no homozygotes.

Submission:

Labcorp Genetics (formerly Invitae), Labcorp
Classification: Uncertain significance for Gorlin syndrome. Last evaluated: 2024-01-31. Review status: criteria provided, single submitter. Criteria: Invitae Variant Classification Sherloc (09022015). Collection method: clinical testing. Allele origin: germline.
Comment: This sequence change replaces alanine, which is neutral and non-polar, with glutamic acid, which is acidic and polar, at codon 475 of the PTCH2 protein (p.Ala475Glu). The frequency data for this variant in the population databases is considered unreliable, as metrics indicate poor data quality at this position in the gnomAD database. This variant has not been reported in the literature in individuals affected with PTCH2-related conditions. ClinVar contains an entry for this variant (Variation ID: 2064295). Advanced modeling of protein sequence and biophysical properties (such as structural, functional, and spatial information, amino acid conservation, physicochemical variation, residue mobility, and thermodynamic stability) performed at Invitae indicates that this missense variant is expected to disrupt PTCH2 protein function with a positive predictive value of 80%. In summary, the available evidence is currently insufficient to determine the role of this variant in disease. Therefore, it has been classified as a Variant of Uncertain Significance.